The following is an entry in ClinVar:

NM_002528.7(NTHL1):c.655G>A (p.Ala219Thr)

Gene: NTHL1 (nth like DNA glycosylase 1; minus strand). Cytogenetic location: 16p13.3.
Variant type: single nucleotide variant.
Coding change: c.655G>A on transcript NM_002528.7 (MANE Select); coding-DNA position 655, G replaced by A.
Protein change: p.Ala219Thr; replaces alanine 219 with threonine.
Molecular consequence: missense variant.
Genome position (GRCh38, 1-based): chr16:2,043,597, C>T on the plus strand (G>A on the coding strand, the complement: NTHL1 is on the minus strand). VCF-style: chr16-2043597-C-T. GRCh37 (hg19) VCF-style: chr16-2093598-C-T.
Other names: c.679G>A (NM_002528.5); c.484G>A, p.Ala162Thr (NM_001318193.2); c.325G>A, p.Ala109Thr (NM_001318194.2); short protein forms A109T, A162T, A219T.
Identifiers: ClinVar variation 3626119 (VCV003626119.3).
Genomic context (GRCh38, chr16:2,043,597, plus strand): 5'-CTGGAGCCAGCCCCGCCCTCCTCTACTCACCAATGCCTGACACAGTGCCCCAGGCCACAG[C>T]CATAGCCAGGTGTGCCATCTTGGGCCCAACACCCGGCAGCGCCACCAGCTCGGCCACAGA-3'
Protein context (NP_002519.2, residues 209-229): VGPKMAHLAM[Ala219Thr]VAWGTVSGIA

ClinVar aggregate classification (germline): Uncertain significance. Review status: criteria provided, multiple submitters, no conflicts (2 of 4 stars). 2 submissions from 2 submitters: Uncertain significance (2). Last evaluated 2026-07-06.

Conditions:
Hereditary cancer-predisposing syndrome. Also called: Hereditary neoplastic syndrome; Neoplastic Syndromes, Hereditary; Tumor predisposition; Hereditary Cancer Syndrome. Identifiers: Orphanet 140162, MedGen C0027672, MeSH D009386, MONDO:0015356.

gnomAD v4.1: 2 of 1,609,418 alleles (0.00012%); no homozygotes.

Submissions (2):

Ambry Genetics
Classification: Uncertain significance for Hereditary cancer-predisposing syndrome. Last evaluated: 2026-07-06. Review status: criteria provided, single submitter. Criteria: Ambry Variant Classification Scheme 2023. Collection method: clinical testing. Allele origin: germline.
Comment: The p.A227T variant (also known as c.679G>A), located in coding exon 4 of the NTHL1 gene, results from a G to A substitution at nucleotide position 679. The alanine at codon 227 is replaced by threonine, an amino acid with similar properties. This amino acid position is conserved. In addition, the in silico prediction for this alteration is inconclusive. Based on the available evidence, the clinical significance of this variant remains unclear.

Labcorp Genetics (formerly Invitae), Labcorp
Classification: Uncertain significance. Last evaluated: 2024-10-15. Review status: criteria provided, single submitter. Criteria: Invitae Variant Classification Sherloc (09022015). Collection method: clinical testing. Allele origin: germline.
Comment: This sequence change replaces alanine, which is neutral and non-polar, with threonine, which is neutral and polar, at codon 227 of the NTHL1 protein (p.Ala227Thr). This variant is not present in population databases (gnomAD no frequency). This variant has not been reported in the literature in individuals affected with NTHL1-related conditions. An algorithm developed to predict the effect of missense changes on protein structure and function (PolyPhen-2) suggests that this variant is likely to be tolerated. In summary, the available evidence is currently insufficient to determine the role of this variant in disease. Therefore, it has been classified as a Variant of Uncertain Significance.